The following is an entry in ClinVar:

NM_000168.6(GLI3):c.3557C>T (p.Pro1186Leu)

Gene: GLI3 (GLI family zinc finger 3; minus strand). Cytogenetic location: 7p14.1.
Variant type: single nucleotide variant.
Coding change: c.3557C>T on transcript NM_000168.6 (MANE Select); coding-DNA position 3557, C replaced by T.
Protein change: p.Pro1186Leu; replaces proline 1186 with leucine.
Molecular consequence: missense variant.
Genome position (GRCh38, 1-based): chr7:41,965,516, G>A on the plus strand (C>T on the coding strand, the complement: GLI3 is on the minus strand). VCF-style: chr7-41965516-G-A. GRCh37 (hg19) VCF-style: chr7-42005114-G-A.
Other names: c.3557C>T (NM_000168.5); short protein forms P1186L.
Identifiers: ClinVar variation 1448811 (VCV001448811.35), dbSNP rs541487979, ClinGen allele CA4230336.
Genomic context (GRCh38, chr7:41,965,516, plus strand): 5'-CTCAAGGGGTTCTGCGGGTGGACGACCATGCCGTTGCAGAACCCAAAGGCGCGAGTCTGC[G>A]GCACAGCGGGCCGCGGCCCACACTTGAGCTTGGAGGAGGACAGGTCGGCGCTTCCGGAGC-3'
Protein context (NP_000159.3, residues 1176-1196): KLKCGPRPAV[Pro1186Leu]QTRAFGFCNG

ClinVar aggregate classification (germline): Conflicting classifications of pathogenicity. Review status: criteria provided, conflicting classifications (1 of 4 stars). 5 submissions from 5 submitters: Uncertain significance (1); Likely benign (4). Last evaluated 2025-08-21.

Conditions:
Greig cephalopolysyndactyly syndrome (GCPS). Also called: GLI3-Related Greig Cephalopolysyndactyly Syndrome; Greig syndrome; POLYSYNDACTYLY WITH PECULIAR SKULL SHAPE. Identifiers: Orphanet 380, MedGen C0265306, MONDO:0008287, OMIM 175700.
Polysyndactyly 4. Also called: Polysyndactyly uncomplicated; Preaxial polydactyly 4. Identifiers: Orphanet 93338, MedGen C1868111, MONDO:0008272, OMIM 174700.
Polydactyly, postaxial, type A1. Identifiers: MedGen C4282400, MONDO:0008266, OMIM 174200.
Pallister-Hall syndrome (PHS). Also called: GLI3-Related Pallister-Hall Syndrome; HYPOTHALAMIC HAMARTOBLASTOMA, HYPOPITUITARISM, IMPERFORATE ANUS, AND POSTAXIAL POLYDACTYLY. Identifiers: Orphanet 672, MedGen C0265220, MONDO:0007804, OMIM 146510.
Inborn genetic diseases. Identifiers: MedGen C0950123, MeSH D030342.

Allele frequency attached by ClinVar (database versions not stated): gnomAD 0.00001 and 0.00005; TOPMed 0.00003; ExAC 0.00008; 1000 Genomes Project 30x 0.00031; 1000 Genomes Project 0.00040.
gnomAD v4.1: 53 of 1,606,258 alleles (0.0033%); highest among the groups gnomAD compares: South Asian, 0.051%; 2 homozygotes.

Submissions (5):

Ambry Genetics
Classification: Likely benign for Inborn genetic diseases. Last evaluated: 2025-08-21. Review status: criteria provided, single submitter. Criteria: Ambry Variant Classification Scheme 2023. Collection method: clinical testing. Allele origin: germline.

Blueprint Genetics
Classification: Likely benign. Last evaluated: 2024-11-05. Review status: criteria provided, single submitter. Criteria: ACMG Guidelines, 2015. Collection method: clinical testing. Allele origin: germline.

CeGaT Center for Human Genetics Tuebingen
Classification: Likely benign. Last evaluated: 2023-09-01. Review status: criteria provided, single submitter. Criteria: CeGaT Center For Human Genetics Tuebingen Variant Classification Criteria Version 2. Collection method: clinical testing. Allele origin: germline. Affected: yes. Observed: 1 variant allele.
Comment: GLI3: BP4

Labcorp Genetics (formerly Invitae), Labcorp
Classification: Likely benign for Pallister-Hall syndrome; Greig cephalopolysyndactyly syndrome. Last evaluated: 2023-07-07. Review status: criteria provided, single submitter. Criteria: Invitae Variant Classification Sherloc (09022015). Collection method: clinical testing. Allele origin: germline.

Fulgent Genetics
Classification: Uncertain significance for Pallister-Hall syndrome; Polydactyly, postaxial, type A1; Polysyndactyly 4; Greig cephalopolysyndactyly syndrome. Last evaluated: 2021-10-07. Review status: criteria provided, single submitter. Criteria: ACMG Guidelines, 2015. Collection method: clinical testing. Allele origin: unknown.